The following is an entry in ClinVar:

NM_000377.3(WAS):c.1252G>T (p.Ala418Ser)

Gene: WAS (WASP actin nucleation promoting factor; plus strand). Cytogenetic location: Xp11.23.
Variant type: single nucleotide variant.
Coding change: c.1252G>T on transcript NM_000377.3 (MANE Select); coding-DNA position 1252, G replaced by T.
Protein change: p.Ala418Ser; replaces alanine 418 with serine.
Molecular consequence: missense variant.
Genome position (GRCh38, 1-based): chrX:48,688,980, G>T. VCF-style: chrX-48688980-G-T. GRCh37 (hg19) VCF-style: chrX-48547369-G-T.
Other names: short protein forms A418S.
Identifiers: ClinVar variation 833892 (VCV000833892.10), dbSNP rs782784813, ClinGen allele CA10404059.

ClinVar aggregate classification (germline): Benign. Review status: criteria provided, single submitter (1 of 4 stars). 2 submissions from 2 submitters: Benign (1). 1 of the submissions does not count toward it. Last evaluated 2025-12-16.

Conditions:
X-linked severe congenital neutropenia (SCNX). Identifiers: Orphanet 86788, MedGen C1845987, MONDO:0010294, OMIM 300299.
Thrombocytopenia 1. Also called: X-Linked Thrombocytopenia (XLT); X-linked thrombocytopenia with normal platelets; THROMBOCYTOPENIA, X-LINKED, 1. Identifiers: Orphanet 268322, Orphanet 852, MedGen C1839163, MONDO:0010743, OMIM 313900.
Wiskott-Aldrich syndrome (WAS). Also called: WISKOTT-ALDRICH SYNDROME 1; ALDRICH SYNDROME; IMMUNODEFICIENCY 2; Wiskott-aldrich syndrome, somatic. Identifiers: Orphanet 906, MedGen C0043194, MONDO:0010518, OMIM 301000.

Allele frequency attached by ClinVar (database versions not stated): ExAC below 0.00001; gnomAD 0.00002; gnomAD exomes 0.00003 and 0.00005; TOPMed 0.00006.
gnomAD v4.1: 41 of 1,189,909 alleles (0.0034%); highest among the groups gnomAD compares: Admixed American, 0.012%; no homozygotes.

Submissions (2):

Labcorp Genetics (formerly Invitae), Labcorp
Classification: Benign for Wiskott-Aldrich syndrome; X-linked severe congenital neutropenia; Thrombocytopenia 1. Last evaluated: 2025-12-16. Review status: criteria provided, single submitter. Criteria: Invitae Variant Classification Sherloc (09022015). Collection method: clinical testing. Allele origin: germline.

Genetic Services Laboratory, University of Chicago
Classification: Uncertain significance. Last evaluated: 2022-09-23. Review status: no assertion criteria provided. Collection method: clinical testing. Allele origin: germline. Affected: no. Not counted in ClinVar's aggregate classification.
Comment: DNA sequence analysis of the WAS gene demonstrated a sequence change, c.1252G>T, in exon 10 that results in an amino acid change, p.Ala418Ser. This sequence change does not appear to have been previously described in individuals with WAS-related disorders. This sequence change has been described in the gnomAD database with a frequency of 0.005% in the overall population (dbSNP rs782784813). The p.Ala418Ser change affects a moderately conserved amino acid residue located in a domain of the WAS protein that is not known to be functional. The p.Ala418Ser substitution appears to be benign using several in-silico pathogenicity prediction tools (SIFT, PolyPhen2, Align GVGD, REVEL). Due to insufficient evidences and the lack of functional studies, the clinical significance of the p.Ala418Ser change remains unknown at this time.